The following is an entry in ClinVar:

NM_001244008.2(KIF1A):c.5038A>G (p.Lys1680Glu)

Gene: KIF1A (kinesin family member 1A; minus strand). Cytogenetic location: 2q37.3.
Variant type: single nucleotide variant.
Coding change: c.5038A>G on transcript NM_001244008.2 (MANE Select); coding-DNA position 5038, A replaced by G.
Protein change: p.Lys1680Glu; replaces lysine 1680 with glutamic acid.
Molecular consequence: missense variant.
Genome position (GRCh38, 1-based): chr2:240,719,182, T>C on the plus strand (A>G on the coding strand, the complement: KIF1A is on the minus strand). VCF-style: chr2-240719182-T-C. GRCh37 (hg19) VCF-style: chr2-241658599-T-C.
Other names: c.4762A>G, p.Lys1588Glu (NM_001320705.2, NM_001379649.1); c.4789A>G, p.Lys1597Glu (NM_001330289.2); c.4837A>G, p.Lys1613Glu (NM_001330290.2, NM_001379648.1); c.5113A>G, p.Lys1705Glu (NM_001379631.1); c.5014A>G, p.Lys1672Glu (NM_001379632.1); c.5011A>G, p.Lys1671Glu (NM_001379633.1, NM_001379645.1); c.4864A>G, p.Lys1622Glu (NM_001379634.1); c.4861A>G, p.Lys1621Glu (NM_001379635.1, NM_001379646.1); and 7 more; short protein forms K1588E, K1597E, K1604E, K1578E, K1587E, K1672E, K1680E, K1705E.
Identifiers: ClinVar variation 2087112 (VCV002087112.5), dbSNP rs2536595892, ClinGen allele CA351298951.

ClinVar aggregate classification (germline): Uncertain significance (1 of 4 stars; one submission).

Conditions:
Neuropathy, hereditary sensory, type 2C. Also called: Hereditary sensory and autonomic neuropathy type IIC; KIF1A-Related HSAN2 (HSAN2C). Identifiers: Orphanet 970, MedGen C3280168, MONDO:0013634, OMIM 614213.
Intellectual disability, autosomal dominant 9 (NESCAVS). Also called: NESCAV SYNDROME; KIF1A-Related Neurodevelopmental Disorder. Identifiers: Orphanet 662367, MedGen C5393830, MONDO:0013656, OMIM 614255.
Hereditary spastic paraplegia 30. Identifiers: Orphanet 101010, MedGen C5235139, MONDO:0012476.

Submission:

Labcorp Genetics (formerly Invitae), Labcorp
Classification: Uncertain significance for Hereditary spastic paraplegia 30; Neuropathy, hereditary sensory, type 2C; Intellectual disability, autosomal dominant 9. Last evaluated: 2022-07-12. Review status: criteria provided, single submitter. Criteria: Invitae Variant Classification Sherloc (09022015). Collection method: clinical testing. Allele origin: germline.
Comment: This sequence change replaces lysine, which is basic and polar, with glutamic acid, which is acidic and polar, at codon 1579 of the KIF1A protein (p.Lys1579Glu). This variant is not present in population databases (gnomAD no frequency). This variant has not been reported in the literature in individuals affected with KIF1A-related conditions. Advanced modeling of protein sequence and biophysical properties (such as structural, functional, and spatial information, amino acid conservation, physicochemical variation, residue mobility, and thermodynamic stability) performed at Invitae indicates that this missense variant is not expected to disrupt KIF1A protein function. Algorithms developed to predict the effect of sequence changes on RNA splicing suggest that this variant may create or strengthen a splice site. In summary, the available evidence is currently insufficient to determine the role of this variant in disease. Therefore, it has been classified as a Variant of Uncertain Significance.